The following is an entry in ClinVar:

ClinVar aggregate classification (germline): Uncertain significance (1 of 4 stars; one submission).

Conditions:
Hereditary cancer-predisposing syndrome. Also called: Neoplastic Syndromes, Hereditary; Tumor predisposition; Hereditary Cancer Syndrome; Hereditary neoplastic syndrome. Identifiers: Orphanet 140162, MedGen C0027672, MeSH D009386, MONDO:0015356.

Submission:

Ambry Genetics
Classification: Uncertain significance for Hereditary cancer-predisposing syndrome. Last evaluated: 2026-03-19. Review status: criteria provided, single submitter. Criteria: Ambry Variant Classification Scheme 2023. Collection method: clinical testing. Allele origin: germline.
Comment: The p.S1338A variant (also known as c.4012T>G), located in coding exon 33 of the TSC2 gene, results from a T to G substitution at nucleotide position 4012. The serine at codon 1338 is replaced by alanine, an amino acid with similar properties. This amino acid position is highly conserved in available vertebrate species. In addition, the in silico prediction for this alteration is inconclusive. Based on the available evidence, the clinical significance of this variant remains unclear.

NM_000548.5(TSC2):c.4012T>G (p.Ser1338Ala)

Gene: TSC2 (TSC complex subunit 2; plus strand). Cytogenetic location: 16p13.3.
Variant type: single nucleotide variant.
Coding change: c.4012T>G on transcript NM_000548.5 (MANE Select); coding-DNA position 4012, T replaced by G.
Protein change: p.Ser1338Ala; replaces serine 1338 with alanine.
Molecular consequence: missense variant. On other transcripts: non-coding transcript variant (5).
Genome position (GRCh38, 1-based): chr16:2,084,234, T>G. VCF-style: chr16-2084234-T-G. GRCh37 (hg19) VCF-style: chr16-2134235-T-G.
Other names: c.2470T>G, p.Ser824Ala (NM_001406692.1, NM_001406693.1, NM_001406694.1); c.2467T>G, p.Ser823Ala (NM_001406695.1, NM_001406696.1, NM_001406697.1); c.2209T>G, p.Ser737Ala (NM_001406698.1); c.3883T>G, p.Ser1295Ala (NM_021055.3, NM_001370405.1); c.3811T>G, p.Ser1271Ala (NM_001077183.3); c.3943T>G, p.Ser1315Ala (NM_001114382.3); c.3703T>G, p.Ser1235Ala (NM_001318827.2); c.3667T>G, p.Ser1223Ala (NM_001318829.2); and 26 more; short protein forms S1071A, S1072A, S1094A, S1114A, S1115A, S1118A, S1138A, S1222A.
Identifiers: ClinVar variation 4866063 (VCV004866063.1).